The following is an entry in ClinVar:

NM_001197224.4(BEAN1):c.152-2540A>C

Gene: BEAN1 (brain expressed associated with NEDD4 1; plus strand). Cytogenetic location: 16q21.
Variant type: single nucleotide variant.
Coding change: c.152-2540A>C on transcript NM_001197224.4; 2540 bases into the intron before coding-DNA position 152, A replaced by C.
Molecular consequence: intron variant.
Genome position (GRCh38, 1-based): chr16:66,490,422, A>C. VCF-style: chr16-66490422-A-C. GRCh37 (hg19) VCF-style: chr16-66524325-A-C.
Identifiers: ClinVar variation 3771998 (VCV003771998.13).

ClinVar aggregate classification (germline): Benign (1 of 4 stars; one submission).

Submission:

CeGaT Center for Human Genetics Tuebingen
Classification: Benign. Last evaluated: 2025-10-01. Review status: criteria provided, single submitter. Criteria: CeGaT Center For Human Genetics Tuebingen Variant Classification Criteria Version 2. Collection method: clinical testing. Allele origin: germline. Affected: yes. Observed: 4 variant alleles.
Comment: BEAN1: BS1, BS2